The following is an entry in ClinVar:

ClinVar aggregate classification (germline): Uncertain significance (1 of 4 stars; one submission).

Conditions:
Hereditary cancer-predisposing syndrome. Also called: Neoplastic Syndromes, Hereditary; Tumor predisposition; Hereditary neoplastic syndrome; Hereditary Cancer Syndrome. Identifiers: Orphanet 140162, MedGen C0027672, MeSH D009386, MONDO:0015356.

gnomAD v4.1: 1 of 1,613,942 alleles (0.000062%); highest among the groups gnomAD compares: Middle Eastern, 0.017%; no homozygotes.

Submission:

Ambry Genetics
Classification: Uncertain significance for Hereditary cancer-predisposing syndrome. Last evaluated: 2026-08-31. Review status: criteria provided, single submitter. Criteria: Ambry Variant Classification Scheme 2023. Collection method: clinical testing. Allele origin: germline.
Comment: The p.P871R variant (also known as c.2612C>G), located in coding exon 12 of the BLM gene, results from a C to G substitution at nucleotide position 2612. The proline at codon 871 is replaced by arginine, an amino acid with dissimilar properties. This amino acid position is conserved. In addition, the in silico prediction for this alteration is inconclusive. Based on the available evidence, the clinical significance of this variant remains unclear.

NM_000057.4(BLM):c.2612C>G (p.Pro871Arg)

Gene: BLM (BLM RecQ like helicase; plus strand). Cytogenetic location: 15q26.1.
Variant type: single nucleotide variant.
Coding change: c.2612C>G on transcript NM_000057.4 (MANE Select); coding-DNA position 2612, C replaced by G.
Protein change: p.Pro871Arg; replaces proline 871 with arginine.
Molecular consequence: missense variant.
Genome position (GRCh38, 1-based): chr15:90,782,878, C>G. VCF-style: chr15-90782878-C-G. GRCh37 (hg19) VCF-style: chr15-91326108-C-G.
Other names: c.2612C>G, p.Pro871Arg (NM_001287246.2, NM_001287247.2); c.1487C>G, p.Pro496Arg (NM_001287248.2); short protein forms P496R, P871R.
Identifiers: ClinVar variation 5032932 (VCV005032932.1).
Genomic context (GRCh38, chr15:90,782,878, plus strand): 5'-TTAGGTTTAGCATGAGCTTTAACAGACATAATCTGAAATACTATGTATTACCGAAAAAGC[C>G]TAAAAAGGTGGCATTTGATTGCCTAGAATGGATCAGAAAGCACCACCCATGTGAGTACAG-3'
Protein context (NP_000048.1, residues 861-881): NLKYYVLPKK[Pro871Arg]KKVAFDCLEW